The following is an entry in ClinVar:

ClinVar aggregate classification (germline): Uncertain significance (1 of 4 stars; one submission).

Conditions:
Familial hypocalciuric hypercalcemia (FHH). Also called: Familial benign hypercalcemia. Identifiers: Orphanet 405, MedGen C1809471, MONDO:0018458.
Autosomal dominant hypocalcemia 1 (HYPOC1). Also called: HYPOCALCEMIA, FAMILIAL. Identifiers: MedGen C3715128, MONDO:0011013, OMIM 601198.

Submission:

Labcorp Genetics (formerly Invitae), Labcorp
Classification: Uncertain significance for Familial hypocalciuric hypercalcemia; Autosomal dominant hypocalcemia 1. Last evaluated: 2021-03-07. Review status: criteria provided, single submitter. Criteria: Invitae Variant Classification Sherloc (09022015). Collection method: clinical testing. Allele origin: germline.
Comment: This sequence change replaces proline with arginine at codon 672 of the CASR protein (p.Pro672Arg). The proline residue is highly conserved and there is a moderate physicochemical difference between proline and arginine. This variant is not present in population databases (ExAC no frequency). This variant has not been reported in the literature in individuals with CASR-related conditions. Algorithms developed to predict the effect of missense changes on protein structure and function (SIFT, PolyPhen-2, Align-GVGD) all suggest that this variant is likely to be disruptive, but these predictions have not been confirmed by published functional studies and their clinical significance is uncertain. In summary, the available evidence is currently insufficient to determine the role of this variant in disease. Therefore, it has been classified as a Variant of Uncertain Significance.

NM_000388.4(CASR):c.2015C>G (p.Pro672Arg)

Gene: CASR (calcium sensing receptor; plus strand). Cytogenetic location: 3q21.1.
Variant type: single nucleotide variant.
Coding change: c.2015C>G on transcript NM_000388.4 (MANE Select); coding-DNA position 2015, C replaced by G.
Protein change: p.Pro672Arg; replaces proline 672 with arginine.
Molecular consequence: missense variant.
Genome position (GRCh38, 1-based): chr3:122,283,969, C>G. VCF-style: chr3-122283969-C-G. GRCh37 (hg19) VCF-style: chr3-122002816-C-G.
Other names: c.2045C>G, p.Pro682Arg (NM_001178065.2); short protein forms P672R, P682R.
Identifiers: ClinVar variation 1514747 (VCV001514747.8), dbSNP rs2107649789, ClinGen allele CA354158308.